The following is an entry in ClinVar:

ClinVar aggregate classification (germline): Likely benign (1 of 4 stars; one submission).

gnomAD v4.1: 6 of 1,612,968 alleles (0.00037%); highest among the groups gnomAD compares: Admixed American, 0.0083%; no homozygotes.

Submission:

CeGaT Center for Human Genetics Tuebingen
Classification: Likely benign. Last evaluated: 2026-05-01. Review status: criteria provided, single submitter. Criteria: CeGaT Center For Human Genetics Tuebingen Variant Classification Criteria Version 2. Collection method: clinical testing. Allele origin: germline. Affected: yes. Observed: 1 variant allele.
Comment: ASH1L: BP4, BP7

NM_018489.3(ASH1L):c.8517T>C (p.Ser2839=)

Gene: ASH1L (ASH1 like histone lysine methyltransferase; minus strand). Cytogenetic location: 1q22.
Variant type: single nucleotide variant.
Coding change: c.8517T>C on transcript NM_018489.3 (MANE Select); coding-DNA position 8517, T replaced by C.
Protein change: p.Ser2839=; no amino-acid change (serine 2839 retained).
Molecular consequence: synonymous variant.
Genome position (GRCh38, 1-based): chr1:155,338,375, A>G on the plus strand (T>C on the coding strand, the complement: ASH1L is on the minus strand). VCF-style: chr1-155338375-A-G. GRCh37 (hg19) VCF-style: chr1-155308166-A-G.
Other names: c.8532T>C, p.Ser2844= (NM_001366177.2).
Identifiers: ClinVar variation 4874899 (VCV004874899.2).